The following is an entry in ClinVar:

NM_000127.3(EXT1):c.916_917dup (p.His307fs)

Gene: EXT1 (exostosin glycosyltransferase 1; minus strand). Cytogenetic location: 8q24.11.
Variant type: Duplication.
Coding change: c.916_917dup on transcript NM_000127.3 (MANE Select); coding-DNA positions 916 to 917, 2 bases duplicated (AA; older notation c.916_917dupAA).
Protein change: p.His307fs; shifts the reading frame from histidine 307.
Molecular consequence: frameshift variant.
Genome position (GRCh38, 1-based): chr8:118,110,130-118,110,131, TT duplicated on the plus strand (AA on the coding strand, the reverse complement: EXT1 is on the minus strand); duplicating any 2 consecutive bases within chr8:118,110,130-118,110,133 gives the same sequence; the c. name uses the placement nearest the transcript's 3' end. VCF-style (leftmost placement, unchanged base first): chr8-118110129-C-CTT. GRCh37 (hg19) VCF-style: chr8-119122368-C-CTT.
Other names: short protein forms H307fs.
Identifiers: ClinVar variation 4292422 (VCV004292422.1).

ClinVar aggregate classification (germline): Likely pathogenic (1 of 4 stars; one submission).

Conditions:
Exostoses, multiple, type 1 (EXT1). Also called: EXOSTOSES, MULTIPLE, TYPE I; Hereditary Multiple Osteochondromatosis, Type I. Identifiers: MedGen CN263289, MONDO:0007585, OMIM 133700.

Submission:

3billion
Classification: Likely pathogenic for Exostoses, multiple, type 1. Last evaluated: 2024-11-08. Review status: criteria provided, single submitter. Criteria: ACMG Guidelines, 2015. Collection method: clinical testing. Allele origin: germline. Affected: yes.
Comment: The variant is not observed in the gnomAD v4.1.0 dataset. Predicted Consequence/Location: Frameshift: predicted to result in a loss or disruption of normal protein function through nonsense-mediated decay (NMD) or protein truncation. Multiple pathogenic variants are reported downstream of the variant. Therefore, this variant is classified as Likely pathogenic according to the recommendation of ACMG/AMP guideline.